The following is an entry in ClinVar:

ClinVar aggregate classification (germline): Conflicting classifications of pathogenicity. Review status: criteria provided, conflicting classifications (1 of 4 stars). 3 submissions from 3 submitters: Uncertain significance (2); Likely benign (1). Last evaluated 2025-06-12.

Allele frequency attached by ClinVar (database versions not stated): gnomAD exomes below 0.00001 and 0.00002; TOPMed 0.00002; ExAC 0.00036.

Submissions (3):

GeneDx
Classification: Uncertain significance. Last evaluated: 2025-06-12. Review status: criteria provided, single submitter. Criteria: GeneDx Variant Classification Process June 2021. Collection method: clinical testing. Allele origin: germline. Affected: yes.
Comment: In silico analysis suggests that this missense variant does not alter protein structure/function; Has not been previously published as pathogenic or benign to our knowledge

Labcorp Genetics (formerly Invitae), Labcorp
Classification: Uncertain significance. Last evaluated: 2023-04-15. Review status: criteria provided, single submitter. Criteria: Invitae Variant Classification Sherloc (09022015). Collection method: clinical testing. Allele origin: germline.
Comment: In summary, the available evidence is currently insufficient to determine the role of this variant in disease. Therefore, it has been classified as a Variant of Uncertain Significance. Algorithms developed to predict the effect of missense changes on protein structure and function output the following: SIFT: "Not Available"; PolyPhen-2: "Benign"; Align-GVGD: "Not Available". The methionine amino acid residue is found in multiple mammalian species, which suggests that this missense change does not adversely affect protein function. ClinVar contains an entry for this variant (Variation ID: 517633). This variant has not been reported in the literature in individuals affected with CLPP-related conditions. This variant is present in population databases (rs763687804, gnomAD 0.03%). This sequence change replaces isoleucine, which is neutral and non-polar, with methionine, which is neutral and non-polar, at codon 5 of the CLPP protein (p.Ile5Met).

Laboratory for Molecular Medicine, Mass General Brigham Personalized Medicine
Classification: Likely benign. Last evaluated: 2017-10-26. Review status: criteria provided, single submitter. Criteria: LMM Criteria. Collection method: clinical testing. Allele origin: germline. Observed: 1 variant allele.
Comment: p.Ile5Met in exon 1 of CLPP: This variant is not expected to have clinical signi ficance due to a lack of conservation across species, including mammals. Of note , 7 mammals have a methionine (Met) at this position despite high nearby amino a cid conservation. In addition, computational prediction tools do not suggest a h igh likelihood of impact to the protein. It has been identified in 1/3416 of Eas t Asian chromosomes by the Genome Aggregation Database (gnomAD; dbSNP rs763687804). ACMG/AMP Criteria applied: BP4 (Richards 2 015).

NM_006012.4(CLPP):c.15A>G (p.Ile5Met)

Gene: CLPP (caseinolytic mitochondrial matrix peptidase proteolytic subunit; plus strand). Cytogenetic location: 19p13.3.
Variant type: single nucleotide variant.
Coding change: c.15A>G on transcript NM_006012.4 (MANE Select); coding-DNA position 15, A replaced by G.
Protein change: p.Ile5Met; replaces isoleucine 5 with methionine.
Molecular consequence: missense variant.
Genome position (GRCh38, 1-based): chr19:6,361,589, A>G. VCF-style: chr19-6361589-A-G. GRCh37 (hg19) VCF-style: chr19-6361600-A-G.
Other names: short protein forms I5M.
Identifiers: ClinVar variation 517633 (VCV000517633.7), dbSNP rs763687804, ClinGen allele CA9122768.